The following is an entry in ClinVar:

NM_001270.4(CHD1):c.2653G>A (p.Asp885Asn)

Gene: CHD1 (chromodomain helicase DNA binding protein 1; minus strand). Cytogenetic location: 5q15.
Variant type: single nucleotide variant.
Coding change: c.2653G>A on transcript NM_001270.4 (MANE Select); coding-DNA position 2653, G replaced by A.
Protein change: p.Asp885Asn; replaces aspartic acid 885 with asparagine.
Molecular consequence: missense variant. On other transcripts: non-coding transcript variant (2).
Genome position (GRCh38, 1-based): chr5:98,883,153, C>T on the plus strand (G>A on the coding strand, the complement: CHD1 is on the minus strand). VCF-style: chr5-98883153-C-T. GRCh37 (hg19) VCF-style: chr5-98218857-C-T.
Other names: c.2653G>A, p.Asp885Asn (NM_001376194.2, NM_001364113.3); short protein forms D885N.
Identifiers: ClinVar variation 4077192 (VCV004077192.1).

ClinVar aggregate classification (germline): Uncertain significance (1 of 4 stars; one submission).

Submission:

GeneDx
Classification: Uncertain significance. Last evaluated: 2025-02-28. Review status: criteria provided, single submitter. Criteria: GeneDx Variant Classification Process June 2021. Collection method: clinical testing. Allele origin: germline. Affected: yes.
Comment: Not observed at significant frequency in large population cohorts (gnomAD); In silico analysis supports that this missense variant has a deleterious effect on protein structure/function; Has not been previously reported as a pathogenic or benign germline variant to our knowledge; This variant is associated with the following publications: (PMID: Zhang2025article)